The following is an entry in ClinVar:

NM_001940.4(ATN1):c.2294+4_2294+15dup

Genes: ATN1 (atrophin 1; plus strand), LOC130007290 (ATAC-STARR-seq lymphoblastoid silent region 4195; plus strand). Cytogenetic location: 12p13.31.
Variant type: Duplication.
Coding change: c.2294+4_2294+15dup on transcript NM_001940.4 (MANE Select); bases 4 to 15 of the intron after coding-DNA position 2294, 12 bases duplicated (AGCGGCCAGGTG).
Molecular consequence: splice donor variant.
Genome position (GRCh38, 1-based): chr12:6,937,565-6,937,576, AGCGGCCAGGTG duplicated; duplicating any 12 consecutive bases within chr12:6,937,557-6,937,576 gives the same sequence; the c. name uses the placement nearest the transcript's 3' end. VCF-style (leftmost placement, unchanged base first): chr12-6937556-T-TGCCAGGTGAGCG. GRCh37 (hg19) VCF-style: chr12-7046719-T-TGCCAGGTGAGCG.
Other names: c.2294+4_2294+15dup (NM_001424176.1, NM_001007026.2, NM_001424177.1 and 1 more transcripts); c.2291+4_2291+15dup (NM_001424179.1, NM_001424180.1).
Identifiers: ClinVar variation 4976129 (VCV004976129.1).
Genomic context (GRCh38, chr12:6,937,556, plus strand): 5'-AGCCCGCAGCCCCTCGCCCCCTCCCAAGGTGGTAGATGTACCCAGCCATGCCAGTCAGTC[T>TGCCAGGTGAGCG]GCCAGGTGAGCGGCCAGGTGGGGCGGAGGTGGGCCTGGAAAGGGGACGACGACAAGGCGG-3'

ClinVar aggregate classification (germline): Uncertain significance (1 of 4 stars; one submission).

Submission:

GeneDx
Classification: Uncertain significance. Last evaluated: 2026-02-03. Review status: criteria provided, single submitter. Criteria: GeneDx Variant Classification Process June 2021. Collection method: clinical testing. Allele origin: germline.
Comment: Not observed at significant frequency in large population cohorts (gnomAD); In silico analysis supports a deleterious effect on splicing; Has not been previously published as pathogenic or benign to our knowledge